The following is an entry in ClinVar:

ClinVar aggregate classification (germline): Likely pathogenic (1 of 4 stars; one submission).

Conditions:
Methylcobalamin deficiency type cblE (HMAE). Also called: HOMOCYSTINURIA-MEGALOBLASTIC ANEMIA, cblE TYPE; HOMOCYSTINURIA-MEGALOBLASTIC ANEMIA, cblE COMPLEMENTATION TYPE; VITAMIN B12-RESPONSIVE HOMOCYSTINURIA, cblE TYPE. Identifiers: Orphanet 2169, Orphanet 622, MedGen C1856057, MONDO:0009354, OMIM 236270.

Submission:

Natera, Inc.
Classification: Likely pathogenic for CblE complementation type homocystinuria-megaloblastic anemia due to defect in cobalamin metabolism. Last evaluated: 2025-03-20. Review status: criteria provided, single submitter. Criteria: Natera Variant Classification Schema (03/2026). Collection method: clinical testing. Allele origin: germline.
Comment: The c.633_634insAT variant in MTRR is a frameshift variant predicted to shift the reading frame beginning at codon 212 and leads to a stop codon 2 codons downstream. This variant is expected to result in nonsense mediated decay, truncation, or a dysfunctional protein product. This variant is rare in the general population with a frequency below the threshold expected for the associated phenotype(s). Given the available evidence, this variant is classified as Likely Pathogenic.

NM_002454.3(MTRR):c.633_634insAT (p.Val212fs)

Gene: MTRR (5-methyltetrahydrofolate-homocysteine methyltransferase reductase; plus strand). Cytogenetic location: 5p15.31.
Variant type: Insertion.
Coding change: c.633_634insAT on transcript NM_002454.3 (MANE Select); coding-DNA positions 633 to 634, AT inserted.
Protein change: p.Val212fs; shifts the reading frame from valine 212.
Molecular consequence: frameshift variant. On other transcripts: non-coding transcript variant (14).
Genome position: GRCh38 VCF-style: chr5-7878175-A-AAT. GRCh37 (hg19) VCF-style: chr5-7878288-A-AAT.
Other names: c.633_634insAT, p.Val212fs (NM_001364440.2, NM_001364441.2, NM_001364442.2 and 1 more transcripts); short protein forms V212fs.
Identifiers: ClinVar variation 4815062 (VCV004815062.1).